The following is an entry in ClinVar:

ClinVar aggregate classification (germline): Uncertain significance. Review status: criteria provided, multiple submitters, no conflicts (2 of 4 stars). 3 submissions from 3 submitters: Uncertain significance (3). Last evaluated 2025-01-07.

Submissions (3):

GeneDx
Classification: Uncertain significance. Last evaluated: 2025-01-07. Review status: criteria provided, single submitter. Criteria: GeneDx Variant Classification Process June 2021. Collection method: clinical testing. Allele origin: germline. Affected: yes.
Comment: Not observed at significant frequency in large population cohorts (gnomAD); In silico analysis supports that this missense variant has a deleterious effect on protein structure/function; Has not been previously published as pathogenic or benign to our knowledge

Labcorp Genetics (formerly Invitae), Labcorp
Classification: Uncertain significance. Last evaluated: 2024-04-08. Review status: criteria provided, single submitter. Criteria: Invitae Variant Classification Sherloc (09022015). Collection method: clinical testing. Allele origin: germline.
Comment: This sequence change replaces threonine, which is neutral and polar, with isoleucine, which is neutral and non-polar, at codon 347 of the PITPNM3 protein (p.Thr347Ile). This variant is not present in population databases (gnomAD no frequency). This variant has not been reported in the literature in individuals affected with PITPNM3-related conditions. Advanced modeling of protein sequence and biophysical properties (such as structural, functional, and spatial information, amino acid conservation, physicochemical variation, residue mobility, and thermodynamic stability) performed at Invitae indicates that this missense variant is not expected to disrupt PITPNM3 protein function with a negative predictive value of 80%. In summary, the available evidence is currently insufficient to determine the role of this variant in disease. Therefore, it has been classified as a Variant of Uncertain Significance.

Blueprint Genetics
Classification: Uncertain significance. Last evaluated: 2022-01-18. Review status: criteria provided, single submitter. Criteria: ACMG Guidelines, 2015. Collection method: clinical testing. Allele origin: germline.

NM_031220.4(PITPNM3):c.1040C>T (p.Thr347Ile)

Gene: PITPNM3 (PITPNM family member 3; minus strand). Cytogenetic location: 17p13.2.
Variant type: single nucleotide variant.
Coding change: c.1040C>T on transcript NM_031220.4 (MANE Select); coding-DNA position 1040, C replaced by T.
Protein change: p.Thr347Ile; replaces threonine 347 with isoleucine.
Molecular consequence: missense variant.
Genome position (GRCh38, 1-based): chr17:6,477,074, G>A on the plus strand (C>T on the coding strand, the complement: PITPNM3 is on the minus strand). VCF-style: chr17-6477074-G-A. GRCh37 (hg19) VCF-style: chr17-6380394-G-A.
Other names: c.932C>T, p.Thr311Ile (NM_001165966.2); c.1040C>T (NM_031220.3); short protein forms T311I, T347I.
Identifiers: ClinVar variation 3649241 (VCV003649241.4).